The following is an entry in ClinVar:

ClinVar aggregate classification (germline): Pathogenic/Likely pathogenic. Review status: criteria provided, multiple submitters, no conflicts (2 of 4 stars). 2 submissions from 2 submitters: Pathogenic (1); Likely pathogenic (1). Last evaluated 2026-01-30.

Conditions:
Autosomal dominant polycystic kidney disease. Identifiers: Orphanet 730, MedGen C0085413, MONDO:0004691.

gnomAD v4.1: 4 of 1,605,786 alleles (0.00025%); highest among the groups gnomAD compares: Non-Finnish European, 0.00034%; no homozygotes.

Submissions (2):

Mayo Translational Polycystic Kidney Disease Center, Mayo Clinic
Classification: Pathogenic for Autosomal dominant polycystic kidney disease. Last evaluated: 2026-01-30. Review status: criteria provided, single submitter. Criteria: ACMG Guidelines, 2015. Collection method: research. Allele origin: germline. Inheritance: Autosomal dominant inheritance. Affected: yes.
Comment: The c.430G>T variant in the DNAJB11 gene introduces a premature stop codon at position 144 (p.Glu144Ter) and is predicted to result in a truncated protein lacking essential functional domains. This nonsense variant is expected to cause loss of function through production of a nonfunctional protein, meeting the PVS1 criterion. Loss-of-function variants in DNAJB11 are a known mechanism of disease and are associated with atypical autosomal dominant polycystic kidney disease. The variant is extremely rare, with an allele frequency of less than 0.01% in population databases such as gnomAD v4.1.0, supporting PM2. This specific variant has been reported in affected individuals within a family with kidney cystic disease (PMID: 32631624), providing supporting evidence for PP4 based on phenotype–genotype consistency. Based on the nature of the mutation, its rarity, the established disease mechanism, and supporting clinical reports, this variant is best classified as pathogenic.

Molecular Genetics of Inherited Kidney Disorders Laboratory, Garvan Institute of Medical Research
Classification: Likely pathogenic. Last evaluated: 2019-01-01. Review status: criteria provided, single submitter. Criteria: ACMG Guidelines, 2015. Collection method: clinical testing. Allele origin: germline. Affected: yes.

Literature cited by the submitters: PubMed 32631624 (cited by Mayo Translational Polycystic Kidney Disease Center, Mayo Clinic).

NM_016306.6(DNAJB11):c.430G>T (p.Glu144Ter)

Gene: DNAJB11 (DnaJ heat shock protein family (Hsp40) member B11; plus strand). Cytogenetic location: 3q27.3.
Variant type: single nucleotide variant.
Coding change: c.430G>T on transcript NM_016306.6 (MANE Select); coding-DNA position 430, G replaced by T.
Protein change: p.Glu144Ter; replaces glutamic acid 144 with a stop codon.
Molecular consequence: nonsense. On other transcripts: non-coding transcript variant (5), intron variant (1).
Genome position (GRCh38, 1-based): chr3:186,577,774, G>T. VCF-style: chr3-186577774-G-T. GRCh37 (hg19) VCF-style: chr3-186295563-G-T.
Other names: c.323+1837G>T (NM_001378451.1); c.430G>T (NM_016306.4); short protein forms E144*.
Identifiers: ClinVar variation 972873 (VCV000972873.1), dbSNP rs1273228187, ClinGen allele CA355714330.